The following is an entry in ClinVar:

ClinVar aggregate classification (germline): Uncertain significance (1 of 4 stars; one submission).

Submission:

Ambry Genetics
Classification: Uncertain significance. Last evaluated: 2024-04-24. Review status: criteria provided, single submitter. Criteria: Ambry Variant Classification Scheme 2023. Collection method: clinical testing. Allele origin: germline.
Comment: The p.E351K variant (also known as c.1051G>A), located in coding exon 7 of the POLQ gene, results from a G to A substitution at nucleotide position 1051. The glutamic acid at codon 351 is replaced by lysine, an amino acid with similar properties. This amino acid position is conserved. In addition, the in silico prediction for this alteration is inconclusive. Based on the available evidence, the clinical significance of this variant remains unclear.

NM_199420.4(POLQ):c.1051G>A (p.Glu351Lys)

Gene: POLQ (DNA polymerase theta; minus strand). Cytogenetic location: 3q13.33.
Variant type: single nucleotide variant.
Coding change: c.1051G>A on transcript NM_199420.4 (MANE Select); coding-DNA position 1051, G replaced by A.
Protein change: p.Glu351Lys; replaces glutamic acid 351 with lysine.
Molecular consequence: missense variant.
Genome position (GRCh38, 1-based): chr3:121,529,702, C>T on the plus strand (G>A on the coding strand, the complement: POLQ is on the minus strand). VCF-style: chr3-121529702-C-T. GRCh37 (hg19) VCF-style: chr3-121248549-C-T.
Other names: short protein forms E351K.
Identifiers: ClinVar variation 3308648 (VCV003308648.1).